The following is an entry in ClinVar:

ClinVar aggregate classification (germline): Uncertain significance (1 of 4 stars; one submission).

Conditions:
RASopathy. Also called: rasopathies; Noonan spectrum disorder. Identifiers: Orphanet 536391, MedGen C5555857, MONDO:0021060.

Allele frequency attached by ClinVar (database versions not stated): gnomAD 0.00001.
gnomAD v4.1: 1 of 1,611,824 alleles (0.000062%); highest among the groups gnomAD compares: African/African-American, 0.0013%; no homozygotes.

Submission:

Labcorp Genetics (formerly Invitae), Labcorp
Classification: Uncertain significance for RASopathy. Last evaluated: 2020-03-22. Review status: criteria provided, single submitter. Criteria: Invitae Variant Classification Sherloc (09022015). Collection method: clinical testing. Allele origin: germline.
Comment: In summary, the available evidence is currently insufficient to determine the role of this variant in disease. Therefore, it has been classified as a Variant of Uncertain Significance. Algorithms developed to predict the effect of missense changes on protein structure and function (SIFT, PolyPhen-2, Align-GVGD) all suggest that this variant is likely to be disruptive, but these predictions have not been confirmed by published functional studies and their clinical significance is uncertain. This variant has not been reported in the literature in individuals with KRAS-related conditions. This variant is not present in population databases (ExAC no frequency). This sequence change replaces leucine with valine at codon 6 of the KRAS protein (p.Leu6Val). The leucine residue is highly conserved and there is a small physicochemical difference between leucine and valine.

NM_004985.5(KRAS):c.16C>G (p.Leu6Val)

Gene: KRAS (KRAS proto-oncogene, GTPase; minus strand). Cytogenetic location: 12p12.1.
Variant type: single nucleotide variant.
Coding change: c.16C>G on transcript NM_004985.5 (MANE Select); coding-DNA position 16, C replaced by G.
Protein change: p.Leu6Val; replaces leucine 6 with valine.
Molecular consequence: missense variant.
Genome position (GRCh38, 1-based): chr12:25,245,369, G>C on the plus strand (C>G on the coding strand, the complement: KRAS is on the minus strand). VCF-style: chr12-25245369-G-C. GRCh37 (hg19) VCF-style: chr12-25398303-G-C.
Other names: c.16C>G, p.Leu6Val (NM_001369786.1, NM_001369787.1, NM_033360.4); short protein forms L6V.
Identifiers: ClinVar variation 1038615 (VCV001038615.8), dbSNP rs1296330213, ClinGen allele CA384157518.